The following is an entry in ClinVar:

ClinVar aggregate classification (germline): Uncertain significance (1 of 4 stars; one submission).

Conditions:
RASopathy. Also called: rasopathies; Noonan spectrum disorder. Identifiers: Orphanet 536391, MedGen C5555857, MONDO:0021060.

Submission:

Labcorp Genetics (formerly Invitae), Labcorp
Classification: Uncertain significance for RASopathy. Last evaluated: 2025-04-27. Review status: criteria provided, single submitter. Criteria: Invitae Variant Classification Sherloc (09022015). Collection method: clinical testing. Allele origin: germline.
Comment: This sequence change creates a premature translational stop signal (p.Arg101Aspfs*22) in the CBL gene. It is expected to result in an absent or disrupted protein product. However, the current clinical and genetic evidence is not sufficient to establish whether loss-of-function variants in CBL cause disease. This variant is not present in population databases (gnomAD no frequency). This variant has not been reported in the literature in individuals affected with CBL-related conditions. In summary, the available evidence is currently insufficient to determine the role of this variant in disease. Therefore, it has been classified as a Variant of Uncertain Significance.

NM_005188.4(CBL):c.301del (p.Arg101fs)

Gene: CBL (Cbl proto-oncogene; plus strand). Cytogenetic location: 11q23.3.
Variant type: Deletion.
Coding change: c.301del on transcript NM_005188.4 (MANE Select); coding-DNA position 301, one base deleted (A; older notation c.301delA).
Protein change: p.Arg101fs; shifts the reading frame from arginine 101.
Molecular consequence: frameshift variant.
Genome position (GRCh38, 1-based): chr11:119,232,553, A deleted; the last of 2 consecutive A bases (chr11:119,232,552-119,232,553); deleting either gives the same sequence. VCF-style (leftmost placement, unchanged base first): chr11-119232551-CA-C. GRCh37 (hg19) VCF-style: chr11-119103261-CA-C.
Other names: short protein forms R101fs.
Identifiers: ClinVar variation 4718481 (VCV004718481.1).